The following is an entry in ClinVar:

ClinVar aggregate classification (germline): Uncertain significance (1 of 4 stars; one submission).

gnomAD v4.1: 42 of 1,614,074 alleles (0.0026%); highest among the groups gnomAD compares: Non-Finnish European, 0.0033%; no homozygotes.

Submission:

Ambry Genetics
Classification: Uncertain significance. Last evaluated: 2025-12-29. Review status: criteria provided, single submitter. Criteria: Ambry Variant Classification Scheme 2023. Collection method: clinical testing. Allele origin: germline.
Comment: The c.1115G>A (p.R372H) alteration is located in exon 9 (coding exon 9) of the ESYT1 gene. This alteration results from a G to A substitution at nucleotide position 1115, causing the arginine (R) at amino acid position 372 to be replaced by a histidine (H). Based on data from gnomAD, the A allele has an overall frequency of 0.003% (7/251490) total alleles studied. The highest observed frequency was 0.005% (6/113766) of European (non-Finnish) alleles. Based on insufficient or conflicting evidence, the clinical significance of this alteration remains unclear.

NM_015292.3(ESYT1):c.1115G>A (p.Arg372His)

Gene: ESYT1 (extended synaptotagmin 1; plus strand). Cytogenetic location: 12q13.2.
Variant type: single nucleotide variant.
Coding change: c.1115G>A on transcript NM_015292.3 (MANE Select); coding-DNA position 1115, G replaced by A.
Protein change: p.Arg372His; replaces arginine 372 with histidine.
Molecular consequence: missense variant.
Genome position (GRCh38, 1-based): chr12:56,132,551, G>A. VCF-style: chr12-56132551-G-A. GRCh37 (hg19) VCF-style: chr12-56526335-G-A.
Other names: c.1115G>A, p.Arg372His (NM_001184796.2); short protein forms R372H.
Identifiers: ClinVar variation 4828125 (VCV004828125.1).